The following is an entry in ClinVar:

ClinVar aggregate classification (germline): Uncertain significance (1 of 4 stars; one submission).

Allele frequency attached by ClinVar (database versions not stated): TOPMed below 0.00001.

Submission:

Labcorp Genetics (formerly Invitae), Labcorp
Classification: Uncertain significance. Last evaluated: 2025-09-15. Review status: criteria provided, single submitter. Criteria: Invitae Variant Classification Sherloc (09022015). Collection method: clinical testing. Allele origin: germline.
Comment: This sequence change replaces glycine, which is neutral and non-polar, with arginine, which is basic and polar, at codon 377 of the ARID1B protein (p.Gly377Arg). The frequency data for this variant in the population databases is considered unreliable, as metrics indicate insufficient coverage at this position in the gnomAD database. This variant has not been reported in the literature in individuals affected with ARID1B-related conditions. ClinVar contains an entry for this variant (Variation ID: 2983118). Invitae Evidence Modeling of protein sequence and biophysical properties (such as structural, functional, and spatial information, amino acid conservation, physicochemical variation, residue mobility, and thermodynamic stability) indicates that this missense variant is not expected to disrupt ARID1B protein function with a negative predictive value of 95%. In summary, the available evidence is currently insufficient to determine the role of this variant in disease. Therefore, it has been classified as a Variant of Uncertain Significance.

NM_001374828.1(ARID1B):c.1378G>C (p.Gly460Arg)

Gene: ARID1B (AT-rich interaction domain 1B; plus strand). Cytogenetic location: 6q25.3.
Variant type: single nucleotide variant.
Coding change: c.1378G>C on transcript NM_001374828.1 (MANE Select); coding-DNA position 1378, G replaced by C.
Protein change: p.Gly460Arg; replaces glycine 460 with arginine.
Molecular consequence: missense variant.
Genome position (GRCh38, 1-based): chr6:156,779,058, G>C. VCF-style: chr6-156779058-G-C. GRCh37 (hg19) VCF-style: chr6-157100192-G-C.
Other names: c.1129G>C, p.Gly377Arg (NM_001346813.1, NM_020732.3); c.1378G>C, p.Gly460Arg (NM_001371656.1, NM_001374820.1, NM_017519.3); c.955G>C, p.Gly319Arg (NM_175863.2); short protein forms G319R, G377R, G460R.
Identifiers: ClinVar variation 2983118 (VCV002983118.3), dbSNP rs1583026371, ClinGen allele CA366384172.